The following continues an entry in ClinVar:

NM_025114.4(CEP290):c.1984C>T (p.Gln662Ter)

Gene: CEP290. ClinVar aggregate classification (germline): Pathogenic. Pathogenic (1).

Submissions 11 to 17 of 17:

Fulgent Genetics
Classification: Pathogenic for Joubert syndrome 5; Senior-Loken syndrome 6; Meckel syndrome, type 4; Leber congenital amaurosis 10; Bardet-Biedl syndrome 14. Last evaluated: 2021-12-10. Review status: criteria provided, single submitter. Criteria: ACMG Guidelines, 2015. Collection method: clinical testing. Allele origin: unknown. Not counted in ClinVar's aggregate classification.

Ocular Genomics Institute, Massachusetts Eye and Ear
Classification: Pathogenic for Leber congenital amaurosis 10. Last evaluated: 2021-04-08. Review status: criteria provided, single submitter. Criteria: ACMG Guidelines, 2015. Collection method: research. Allele origin: germline. Affected: yes. Not counted in ClinVar's aggregate classification.
Comment: Through a review of available evidence we were able to apply the following criteria: PVS1, PM2, PP1. Based on this evidence we have classified this variant as Pathogenic.

UW Hindbrain Malformation Research Program, University of Washington
Classification: Pathogenic for Joubert syndrome 5. Last evaluated: 2015-02-23. Review status: criteria provided, single submitter. Criteria: Bachmann-Gagescu et al. (J Med Genet. 2015). Collection method: research. Allele origin: unknown. Affected: yes. Not counted in ClinVar's aggregate classification.

Neuberg Centre For Genomic Medicine, NCGM
Classification: Pathogenic for Senior-Loken syndrome 1. Review status: criteria provided, single submitter. Criteria: ACMG Guidelines, 2015. Collection method: clinical testing. Allele origin: germline. Inheritance: Autosomal recessive inheritance. Affected: yes. Not counted in ClinVar's aggregate classification.

Department of Clinical Genetics, Copenhagen University Hospital, Rigshospitalet
Classification: Pathogenic for Leber congenital amaurosis. Last evaluated: 2018-04-01. Review status: no assertion criteria provided. Collection method: research. Allele origin: unknown. Affected: yes. Study: VeluxRD. Not counted in ClinVar's aggregate classification.

Department of Clinical Genetics, Copenhagen University Hospital, Rigshospitalet
Classification: Pathogenic for Retinitis pigmentosa. Last evaluated: 2018-04-01. Review status: no assertion criteria provided. Collection method: research. Allele origin: unknown. Affected: yes. Study: VeluxRD. Not counted in ClinVar's aggregate classification.

Juha Muilu Group; Institute for Molecular Medicine Finland (FIMM)
Classification: Likely pathogenic for Meckel syndrome type 4. Review status: no assertion criteria provided. Collection method: not provided. Allele origin: unknown. Not counted in ClinVar's aggregate classification.
Comment: FinDis database variant: This variant was not found or characterized by our laboratory, data were collected from public sources: see reference
ClinVar note: Converted during submission from probable-pathogenic to Likely pathogenic.

Literature cited by the submitters: PubMed 19466712 (cited by 3 submitters); PubMed 17564974 (cited by Myriad Genetics, Inc. and Labcorp Genetics (formerly Invitae), Labcorp); PubMed 26092869 (cited by Myriad Genetics, Inc.); PubMed 29398085 (cited by Myriad Genetics, Inc.); PubMed 23351400 (cited by Variantyx, Inc. and Labcorp Genetics (formerly Invitae), Labcorp); PubMed 16909394 (cited by Labcorp Genetics (formerly Invitae), Labcorp); PubMed 17345604 (cited by Labcorp Genetics (formerly Invitae), Labcorp); PubMed 20690115 (cited by Labcorp Genetics (formerly Invitae), Labcorp); PubMed 23188109 (cited by Labcorp Genetics (formerly Invitae), Labcorp); PubMed 30718709 (cited by Department of Clinical Genetics, Copenhagen University Hospital, Rigshospitalet).